The following is an entry in ClinVar:

NM_006907.4(PYCR1):c.864C>G (p.Asp288Glu)

Gene: PYCR1 (pyrroline-5-carboxylate reductase 1; minus strand). Cytogenetic location: 17q25.3.
Variant type: single nucleotide variant.
Coding change: c.864C>G on transcript NM_006907.4 (MANE Select); coding-DNA position 864, C replaced by G.
Protein change: p.Asp288Glu; replaces aspartic acid 288 with glutamic acid.
Molecular consequence: missense variant. On other transcripts: 3 prime UTR variant (1).
Genome position (GRCh38, 1-based): chr17:81,933,310, G>C on the plus strand (C>G on the coding strand, the complement: PYCR1 is on the minus strand). VCF-style: chr17-81933310-G-C. GRCh37 (hg19) VCF-style: chr17-79891186-G-C.
Other names: c.864C>G (NM_006907.2); c.771C>G, p.Asp257Glu (NM_001282279.2); c.864C>G, p.Asp288Glu (NM_001282280.2, NM_153824.3); c.945C>G, p.Asp315Glu (NM_001282281.2); c.*46C>G (NM_001330523.2); short protein forms D315E, D257E, D288E.
Identifiers: ClinVar variation 1476705 (VCV001476705.9), dbSNP rs779964744, ClinGen allele CA8845248.

ClinVar aggregate classification (germline): Uncertain significance. Review status: criteria provided, multiple submitters, no conflicts (2 of 4 stars). 2 submissions from 2 submitters: Uncertain significance (2). Last evaluated 2025-06-18.

Conditions:
Inborn genetic diseases. Identifiers: MedGen C0950123, MeSH D030342.

Allele frequency attached by ClinVar (database versions not stated): gnomAD 0.00001; gnomAD exomes 0.00001 and 0.00002; TOPMed 0.00001; ExAC 0.00003.
gnomAD v4.1: 9 of 1,613,918 alleles (0.00056%); highest among the groups gnomAD compares: Admixed American, 0.005%; no homozygotes.

Submissions (2):

Ambry Genetics
Classification: Uncertain significance for Inborn genetic diseases. Last evaluated: 2025-06-18. Review status: criteria provided, single submitter. Criteria: Ambry Variant Classification Scheme 2023. Collection method: clinical testing. Allele origin: germline.

Labcorp Genetics (formerly Invitae), Labcorp
Classification: Uncertain significance. Last evaluated: 2023-10-13. Review status: criteria provided, single submitter. Criteria: Invitae Variant Classification Sherloc (09022015). Collection method: clinical testing. Allele origin: germline.
Comment: This sequence change replaces aspartic acid, which is acidic and polar, with glutamic acid, which is acidic and polar, at codon 288 of the PYCR1 protein (p.Asp288Glu). This variant is present in population databases (rs779964744, gnomAD 0.01%). This variant has not been reported in the literature in individuals affected with PYCR1-related conditions. ClinVar contains an entry for this variant (Variation ID: 1476705). An algorithm developed to predict the effect of missense changes on protein structure and function (PolyPhen-2) suggests that this variant is likely to be tolerated. In summary, the available evidence is currently insufficient to determine the role of this variant in disease. Therefore, it has been classified as a Variant of Uncertain Significance.